The following is an entry in ClinVar:

ClinVar aggregate classification (germline): Conflicting classifications of pathogenicity. Review status: criteria provided, conflicting classifications (1 of 4 stars). 8 submissions from 8 submitters: Uncertain significance (5); Likely benign (1). 2 of the submissions do not count toward it. Last evaluated 2025-12-28.

Conditions:
Cardiovascular phenotype. Identifiers: MedGen CN230736.
Brugada syndrome 8 (BRGDA8). Identifiers: Orphanet 130, MedGen C2751083, MONDO:0013148, OMIM 613123.
Sick sinus syndrome 2, autosomal dominant (SSS2). Also called: SINUS BRADYCARDIA SYNDROME, FAMILIAL, AUTOSOMAL DOMINANT; SINUS NODE DISEASE, FAMILIAL, AUTOSOMAL DOMINANT; ATRIAL FIBRILLATION WITH BRADYARRHYTHMIA; SICK SINUS SYNDROME 2; SICK SINUS SYNDROME 2 WITH OR WITHOUT CARDIAC NONCOMPACTION AND/OR ASCENDING AORTA DILATION. Identifiers: Orphanet 166282, MedGen C1834144, MONDO:0008102, OMIM 163800.

Allele frequency attached by ClinVar (database versions not stated): gnomAD exomes 0.00001 and 0.00003; TOPMed 0.00006; ExAC 0.00016.
gnomAD v4.1: 48 of 1,450,624 alleles (0.0033%); highest among the groups gnomAD compares: Non-Finnish European, 0.0036%; no homozygotes.

Submissions (8):

Labcorp Genetics (formerly Invitae), Labcorp
Classification: Uncertain significance for Brugada syndrome 8. Last evaluated: 2025-12-28. Review status: criteria provided, single submitter. Criteria: Invitae Variant Classification Sherloc (09022015). Collection method: clinical testing. Allele origin: germline.
Comment: This sequence change replaces arginine, which is basic and polar, with tryptophan, which is neutral and slightly polar, at codon 1069 of the HCN4 protein (p.Arg1069Trp). The frequency data for this variant in the population databases is considered unreliable, as metrics indicate poor data quality at this position in the gnomAD database. This missense change has been observed in individual(s) with dilated cardiomyopathy (PMID: 28254188). ClinVar contains an entry for this variant (Variation ID: 840097). Invitae Evidence Modeling of protein sequence and biophysical properties (such as structural, functional, and spatial information, amino acid conservation, physicochemical variation, residue mobility, and thermodynamic stability) indicates that this missense variant is not expected to disrupt HCN4 protein function with a negative predictive value of 95%. In summary, the available evidence is currently insufficient to determine the role of this variant in disease. Therefore, it has been classified as a Variant of Uncertain Significance.

Ambry Genetics
Classification: Uncertain significance for Cardiovascular phenotype. Last evaluated: 2025-11-16. Review status: criteria provided, single submitter. Criteria: Ambry Variant Classification Scheme 2023. Collection method: clinical testing. Allele origin: germline.
Comment: The p.R1069W variant (also known as c.3205C>T), located in coding exon 8 of the HCN4 gene, results from a C to T substitution at nucleotide position 3205. The arginine at codon 1069 is replaced by tryptophan, an amino acid with dissimilar properties. This alteration was reported in a cardiac genetic testing cohort in an individual found to have other cardiac-related alterations (Schweizer PA et al. J Am Coll Cardiol, 2017 03;69:1209-1210). This amino acid position is not well conserved in available vertebrate species, and tryptophan is the reference amino acid in other vertebrate species. In addition, the in silico prediction for this alteration is inconclusive. Since supporting evidence is limited at this time, the clinical significance of this alteration remains unclear.

Dasa
Classification: Uncertain significance. Last evaluated: 2025-07-16. Review status: criteria provided, single submitter. Criteria: DASA Assertion Criteria. Collection method: clinical testing. Allele origin: germline.
Comment: NM_005477.3(HCN4):c.3205C>T (p.Arg1069Trp) is a missense variant that results in the substitution of arginine with tryptophan. This variant is rare in population databases. Computational prediction algorithms are consistent with a benign effect. The currently available literature and clinical evidence are not sufficient to establish a definitive association between this variant and the reported condition. Therefore, this variant is classified as a variant of uncertain significance.

Blueprint Genetics
Classification: Likely benign. Last evaluated: 2023-06-16. Review status: criteria provided, single submitter. Criteria: ACMG Guidelines, 2015. Collection method: clinical testing. Allele origin: germline.

Revvity Omics, Revvity
Classification: Uncertain significance. Last evaluated: 2020-04-30. Review status: criteria provided, single submitter. Criteria: ACMG Guidelines, 2015. Collection method: clinical testing. Allele origin: germline.

Illumina Laboratory Services, Illumina
Classification: Uncertain significance for Sick sinus syndrome 2, autosomal dominant. Last evaluated: 2018-01-13. Review status: criteria provided, single submitter. Criteria: ICSL Variant Classification Criteria 13 December 2019. Collection method: clinical testing. Allele origin: germline.

Clinical Genetics, Academic Medical Center
Classification: Uncertain significance. Review status: no assertion criteria provided. Collection method: clinical testing. Allele origin: germline. Affected: yes. Study: VKGL Data-share Consensus. Not counted in ClinVar's aggregate classification.

Diagnostic Laboratory, Department of Genetics, University Medical Center Groningen
Classification: Uncertain significance. Review status: no assertion criteria provided. Collection method: clinical testing. Allele origin: germline. Affected: yes. Study: VKGL Data-share Consensus. Not counted in ClinVar's aggregate classification.

Literature cited by the submitters: PubMed 28254188 (cited by Labcorp Genetics (formerly Invitae), Labcorp and Ambry Genetics).

NM_005477.3(HCN4):c.3205C>T (p.Arg1069Trp)

Gene: HCN4 (hyperpolarization activated cyclic nucleotide gated potassium channel 4; minus strand). Cytogenetic location: 15q24.1.
Variant type: single nucleotide variant.
Coding change: c.3205C>T on transcript NM_005477.3 (MANE Select); coding-DNA position 3205, C replaced by T.
Protein change: p.Arg1069Trp; replaces arginine 1069 with tryptophan.
Molecular consequence: missense variant.
Genome position (GRCh38, 1-based): chr15:73,322,888, G>A on the plus strand (C>T on the coding strand, the complement: HCN4 is on the minus strand). VCF-style: chr15-73322888-G-A. GRCh37 (hg19) VCF-style: chr15-73615229-G-A.
Other names: short protein forms R1069W.
Identifiers: ClinVar variation 840097 (VCV000840097.21), dbSNP rs770658894, ClinGen allele CA7648870.
Genomic context (GRCh38, chr15:73,322,888, plus strand): 5'-ACGCGGAGATGAGCTTGAGGTCCTGGGTGAGGCGGCCGGGGGTGAGCGGGGGTGTGCCCC[G>A]GCGCTGGGGGACCTGGGGTGGTGGGGGGCTGGATGCAGGTGGCAGGAGCAAGGATCCGTG-3'
Protein context (NP_005468.1, residues 1059-1079): SPPPPQVPQR[Arg1069Trp]GTPPLTPGRL